The following is an entry in ClinVar:

NM_000551.4(VHL):c.621A>G (p.Ala207=)

Genes: VHL (von Hippel-Lindau tumor suppressor; plus strand), LOC107303340 (3p25 von Hippel-Lindau tumor suppressor, E3 ubiquitin protein ligase Alu-mediated recombination region; plus strand). Cytogenetic location: 3p25.3.
Variant type: single nucleotide variant.
Coding change: c.621A>G on transcript NM_000551.4 (MANE Select); coding-DNA position 621, A replaced by G.
Protein change: p.Ala207=; no amino-acid change (alanine 207 retained).
Molecular consequence: synonymous variant. On other transcripts: 3 prime UTR variant (1), non-coding transcript variant (1).
Genome position (GRCh38, 1-based): chr3:10,149,944, A>G. VCF-style: chr3-10149944-A-G. GRCh37 (hg19) VCF-style: chr3-10191628-A-G.
Other names: c.*175A>G (NM_001354723.2); c.498A>G, p.Ala166= (NM_198156.3).
Identifiers: ClinVar variation 4071062 (VCV004071062.1).

ClinVar aggregate classification (germline): Benign (1 of 4 stars; one submission).

Conditions:
Von Hippel-Lindau syndrome (VHLS). Also called: Von Hippel-Lindau; von Hippel–Lindau syndrome; VHL syndrome. Identifiers: Orphanet 892, MedGen C0019562, MONDO:0008667, OMIM 193300. Disease mechanism: loss of function.

Submission:

Myriad Genetics, Inc.
Classification: Benign for Von Hippel-Lindau syndrome. Last evaluated: 2025-06-13. Review status: criteria provided, single submitter. Criteria: Myriad Autosomal Dominant, Autosomal Recessive and X-Linked Classification Criteria (2023). Collection method: clinical testing. Allele origin: unknown.
Comment: This variant is considered benign. This variant is a silent/synonymous amino acid change and it is not expected to impact splicing.